The following is an entry in ClinVar:

ClinVar aggregate classification (germline): Likely benign (0 of 4 stars; one submission).

Conditions:
DNMT3A-related disorder. Also called: DNMT3A-related disorders; DNMT3A-related condition.

gnomAD v4.1: 2 of 1,606,880 alleles (0.00012%); highest among the groups gnomAD compares: African/African-American, 0.0027%; no homozygotes.

Submission:

PreventionGenetics, part of Exact Sciences
Classification: Likely benign for DNMT3A-related condition. Last evaluated: 2024-03-04. Review status: no assertion criteria provided. Collection method: clinical testing. Allele origin: germline.
Comment: This variant is classified as likely benign based on ACMG/AMP sequence variant interpretation guidelines (Richards et al. 2015 PMID: 25741868, with internal and published modifications).

NM_022552.5(DNMT3A):c.639+3G>A

Gene: DNMT3A (DNA methyltransferase 3 alpha; minus strand). Cytogenetic location: 2p23.3.
Variant type: single nucleotide variant.
Coding change: c.639+3G>A on transcript NM_022552.5 (MANE Select); 3 bases into the intron after coding-DNA position 639, G replaced by A.
Molecular consequence: intron variant.
Genome position (GRCh38, 1-based): chr2:25,274,938, C>T on the plus strand (G>A on the coding strand, the complement: DNMT3A is on the minus strand). VCF-style: chr2-25274938-C-T. GRCh37 (hg19) VCF-style: chr2-25497807-C-T.
Other names: c.639+3G>A (NM_175629.2).
Identifiers: ClinVar variation 3354698 (VCV003354698.1).
Genomic context (GRCh38, chr2:25,274,938, plus strand): 5'-CCATCACTTCTGGTTTTCCAGTTCTGCAGGACGGGCTGGGGCCCAGGCCAGAAGGCGCCT[C>T]ACCTCCCTTTTCCAGCGTGCCAGCCACTCGTCCCGCTTGCGCTTGCTGATGTAGTAGGGG-3'